The following is an entry in ClinVar:

NM_001387850.1(FILIP1L):c.2373C>T (p.Ser791=)

Genes: CMSS1 (cms1 ribosomal small subunit homolog; plus strand), FILIP1L (filamin A interacting protein 1 like; minus strand), LOC105374010 (uncharacterized LOC105374010; plus strand). Cytogenetic location: 3q12.1.
Variant type: single nucleotide variant.
Coding change: c.2373C>T on transcript NM_001387850.1 (MANE Select); coding-DNA position 2373, C replaced by T.
Protein change: p.Ser791=; no amino-acid change (serine 791 retained).
Molecular consequence: synonymous variant. On other transcripts: intron variant (2).
Genome position (GRCh38, 1-based): chr3:99,849,303, G>A on the plus strand (C>T on the coding strand, the complement: FILIP1L is on the minus strand). VCF-style: chr3-99849303-G-A. GRCh37 (hg19) VCF-style: chr3-99568147-G-A.
Other names: c.2373C>T, p.Ser791= (NM_001042459.3, NM_182909.4); c.1101C>T, p.Ser367= (NM_001282793.2); c.1653C>T, p.Ser551= (NM_001282794.2, NM_001370247.1, NM_001387851.1 and 1 more transcripts); c.64+31260G>A (NM_032359.4); c.606-18698C>T (NM_001387852.1).
Identifiers: ClinVar variation 3045387 (VCV003045387.2), dbSNP rs148447244, ClinGen allele CA2513453.

ClinVar aggregate classification (germline): Benign (0 of 4 stars; one submission).

Conditions:
FILIP1L-related disorder. Also called: FILIP1L-related condition.

Allele frequency attached by ClinVar (database versions not stated): gnomAD exomes 0.00021; ExAC 0.00075; 1000 Genomes Project 0.00180; 1000 Genomes Project 30x 0.00187; gnomAD 0.00204; TOPMed 0.00229; ESP Exome Variant Server 0.00277.
gnomAD v4.1: 635 of 1,614,092 alleles (0.039%); highest among the groups gnomAD compares: African/African-American, 0.73%; 2 homozygotes.

Submission:

PreventionGenetics, part of Exact Sciences
Classification: Benign for FILIP1L-related condition. Last evaluated: 2020-01-02. Review status: no assertion criteria provided. Collection method: clinical testing. Allele origin: germline.
Comment: This variant is classified as benign based on ACMG/AMP sequence variant interpretation guidelines (Richards et al. 2015 PMID: 25741868, with internal and published modifications).